The following is an entry in ClinVar:

ClinVar aggregate classification (germline): Uncertain significance. Review status: criteria provided, multiple submitters, no conflicts (2 of 4 stars). 2 submissions from 2 submitters: Uncertain significance (2). Last evaluated 2025-05-16.

Conditions:
Inborn genetic diseases. Identifiers: MedGen C0950123, MeSH D030342.
Hereditary spastic paraplegia 39 (SPG39). Also called: SPASTIC PARAPLEGIA 39, AUTOSOMAL RECESSIVE; Spastic Paraplegia Type 39 (SPG39). Identifiers: Orphanet 139480, MedGen C2677586, MONDO:0012787, OMIM 612020.

Allele frequency attached by ClinVar (database versions not stated): gnomAD 0.00001; gnomAD exomes 0.00001.

Submissions (2):

Ambry Genetics
Classification: Uncertain significance for Inborn genetic diseases. Last evaluated: 2025-05-16. Review status: criteria provided, single submitter. Criteria: Ambry Variant Classification Scheme 2023. Collection method: clinical testing. Allele origin: germline.

Labcorp Genetics (formerly Invitae), Labcorp
Classification: Uncertain significance for Hereditary spastic paraplegia 39. Last evaluated: 2016-01-25. Review status: criteria provided, single submitter. Criteria: Invitae Variant Classification Sherloc (09022015). Collection method: clinical testing. Allele origin: germline.
Comment: In summary, this is a novel missense change that is not predicted to affect protein function or cause disease. However, the evidence is insufficient at this time to prove that conclusively. It has been classified as a Variant of Uncertain Significance. This variant is not present in population databases (ExAC no frequency) and has not been reported in the literature in individuals with a PNPLA6-related disease. Algorithms developed to predict the effect of missense changes on protein structure and function (SIFT, PolyPhen-2, Align-GVGD) all suggest that this variant is likely to be tolerated, but these predictions have not been confirmed by published functional studies. This sequence change replaces methionine with isoleucine at codon 1218 of the PNPLA6 protein (p.Met1218Ile). The methionine residue is moderately conserved and there is a small physicochemical difference between methionine and isoleucine.

NM_001166114.2(PNPLA6):c.3768G>T (p.Met1256Ile)

Gene: PNPLA6 (patatin like domain 6, lysophospholipase; plus strand). Cytogenetic location: 19p13.2.
Variant type: single nucleotide variant.
Coding change: c.3768G>T on transcript NM_001166114.2 (MANE Select); coding-DNA position 3768, G replaced by T.
Protein change: p.Met1256Ile; replaces methionine 1256 with isoleucine.
Molecular consequence: missense variant.
Genome position (GRCh38, 1-based): chr19:7,560,716, G>T. VCF-style: chr19-7560716-G-T. GRCh37 (hg19) VCF-style: chr19-7625602-G-T.
Other names: c.3798G>T, p.Met1266Ile (NM_001166111.2); c.3573G>T, p.Met1191Ile (NM_001166112.2); c.3654G>T, p.Met1218Ile (NM_001166113.1, NM_006702.5); short protein forms M1218I, M1266I, M1256I, M1191I.
Identifiers: ClinVar variation 240701 (VCV000240701.7), dbSNP rs878854905, ClinGen allele CA10583869.